The following is an entry in ClinVar:

NM_020693.4(DSCAML1):c.121G>A (p.Val41Met)

Gene: DSCAML1 (DS cell adhesion molecule like 1; minus strand). Cytogenetic location: 11q23.3.
Variant type: single nucleotide variant.
Coding change: c.121G>A on transcript NM_020693.4 (MANE Select); coding-DNA position 121, G replaced by A.
Protein change: p.Val41Met; replaces valine 41 with methionine.
Molecular consequence: missense variant. On other transcripts: 5 prime UTR variant (1).
Genome position (GRCh38, 1-based): chr11:117,780,736, C>T on the plus strand (G>A on the coding strand, the complement: DSCAML1 is on the minus strand). VCF-style: chr11-117780736-C-T. GRCh37 (hg19) VCF-style: chr11-117651451-C-T.
Other names: c.121G>A, p.Val41Met (NM_001367904.1); c.-288G>A (NM_001367905.1); short protein forms V41M.
Identifiers: ClinVar variation 4244962 (VCV004244962.2).
Genomic context (GRCh38, chr11:117,780,736, plus strand): 5'-GGTACCATCGAAGGGCCGCGCTGGGGGAGCCCGCGGCCGGGCAGGGCACCACCACCCCCA[C>T]GGAGCTGGAAAAGGTCACCTGCTGCAAGGAGTCATTTACAAAGTAGAGGCTGGTGCCAAC-3'
Protein context (NP_065744.3, residues 31-51): SLQQVTFSSS[Val41Met]GVVVPCPAAG

ClinVar aggregate classification (germline): Uncertain significance. Review status: criteria provided, multiple submitters, no conflicts (2 of 4 stars). 2 submissions from 2 submitters: Uncertain significance (2). Last evaluated 2025-08-27.

Submissions (2):

Ambry Genetics
Classification: Uncertain significance. Last evaluated: 2025-08-27. Review status: criteria provided, single submitter. Criteria: Ambry Variant Classification Scheme 2023. Collection method: clinical testing. Allele origin: germline.

Labcorp Genetics (formerly Invitae), Labcorp
Classification: Uncertain significance. Last evaluated: 2025-02-20. Review status: criteria provided, single submitter. Criteria: Invitae Variant Classification Sherloc (09022015). Collection method: clinical testing. Allele origin: germline.
Comment: This sequence change replaces valine, which is neutral and non-polar, with methionine, which is neutral and non-polar, at codon 101 of the DSCAML1 protein (p.Val101Met). This variant is present in population databases (rs775298739, gnomAD 0.004%). This variant has not been reported in the literature in individuals affected with DSCAML1-related conditions. An algorithm developed to predict the effect of missense changes on protein structure and function (PolyPhen-2) suggests that this variant is likely to be disruptive. In summary, the available evidence is currently insufficient to determine the role of this variant in disease. Therefore, it has been classified as a Variant of Uncertain Significance.